The following is an entry in ClinVar:

NM_001287491.2(TET3):c.304-311G>T

Genes: TET3 (tet methylcytosine dioxygenase 3; plus strand), LOC129934104 (ATAC-STARR-seq lymphoblastoid silent region 11650; plus strand). Cytogenetic location: 2p13.1.
Variant type: single nucleotide variant.
Coding change: c.304-311G>T on transcript NM_001287491.2 (MANE Select); 311 bases into the intron before coding-DNA position 304, G replaced by T.
Molecular consequence: intron variant. On other transcripts: nonsense (1).
Genome position (GRCh38, 1-based): chr2:74,002,799, G>T. VCF-style: chr2-74002799-G-T. GRCh37 (hg19) VCF-style: chr2-74229926-G-T.
Other names: c.22G>T, p.Glu8Ter (NM_001366022.1); short protein forms E8*.
Identifiers: ClinVar variation 3040532 (VCV003040532.2), dbSNP rs2467217153, ClinGen allele CA347309334.

ClinVar aggregate classification (germline): Uncertain significance (0 of 4 stars; one submission).

Conditions:
TET3-related disorder. Also called: TET3-related condition; TET3-Related Disease.

Submission:

PreventionGenetics, part of Exact Sciences
Classification: Uncertain significance for TET3-related condition. Last evaluated: 2024-02-06. Review status: no assertion criteria provided. Collection method: clinical testing. Allele origin: germline.
Comment: The TET3 c.22G>T variant is predicted to result in premature protein termination (p.Glu8*). This variant occurs in a lowly expressed exon of an alternative transcript (exon 3) and is intronic in the canonical TET3 transcript c.304-311G>T (NM_001287491.1). To our knowledge, this variant has not been reported in the literature or in a large population database, indicating this variant is rare. At this time, the clinical significance of this variant is uncertain due to the absence of conclusive functional and genetic evidence.